The following is an entry in ClinVar:

NM_006939.4(SOS2):c.454A>T (p.Ile152Phe)

Gene: SOS2 (SOS Ras/Rho guanine nucleotide exchange factor 2; minus strand). Cytogenetic location: 14q21.3.
Variant type: single nucleotide variant.
Coding change: c.454A>T on transcript NM_006939.4 (MANE Select); coding-DNA position 454, A replaced by T.
Protein change: p.Ile152Phe; replaces isoleucine 152 with phenylalanine.
Molecular consequence: missense variant.
Genome position (GRCh38, 1-based): chr14:50,199,747, T>A on the plus strand (A>T on the coding strand, the complement: SOS2 is on the minus strand). VCF-style: chr14-50199747-T-A. GRCh37 (hg19) VCF-style: chr14-50666465-T-A.
Other names: c.454A>T, p.Ile152Phe (NM_001411020.1); short protein forms I152F.
Identifiers: ClinVar variation 2231829 (VCV002231829.4), dbSNP rs2503185669, ClinGen allele CA389649557.

ClinVar aggregate classification (germline): Uncertain significance. Review status: criteria provided, multiple submitters, no conflicts (2 of 4 stars). 2 submissions from 2 submitters: Uncertain significance (2). Last evaluated 2024-11-05.

Conditions:
Cardiovascular phenotype. Identifiers: MedGen CN230736.
Noonan syndrome 9 (NS9). Identifiers: Orphanet 648, MedGen C4225282, MONDO:0014691, OMIM 616559.

Submissions (2):

Labcorp Genetics (formerly Invitae), Labcorp
Classification: Uncertain significance for Noonan syndrome 9. Last evaluated: 2024-11-05. Review status: criteria provided, single submitter. Criteria: Invitae Variant Classification Sherloc (09022015). Collection method: clinical testing. Allele origin: germline.
Comment: This sequence change replaces isoleucine, which is neutral and non-polar, with phenylalanine, which is neutral and non-polar, at codon 152 of the SOS2 protein (p.Ile152Phe). This variant is not present in population databases (gnomAD no frequency). This variant has not been reported in the literature in individuals affected with SOS2-related conditions. ClinVar contains an entry for this variant (Variation ID: 2231829). Invitae Evidence Modeling of protein sequence and biophysical properties (such as structural, functional, and spatial information, amino acid conservation, physicochemical variation, residue mobility, and thermodynamic stability) indicates that this missense variant is not expected to disrupt SOS2 protein function with a negative predictive value of 95%. In summary, the available evidence is currently insufficient to determine the role of this variant in disease. Therefore, it has been classified as a Variant of Uncertain Significance.

Ambry Genetics
Classification: Uncertain significance for Cardiovascular phenotype. Last evaluated: 2021-06-30. Review status: criteria provided, single submitter. Criteria: Ambry Variant Classification Scheme 2023. Collection method: clinical testing. Allele origin: germline.